The following is an entry in ClinVar:

ClinVar aggregate classification (germline): Benign/Likely benign. Review status: criteria provided, multiple submitters, no conflicts (2 of 4 stars). 3 submissions from 3 submitters: Benign (1); Likely benign (2). Last evaluated 2026-04-23.

Conditions:
Colorectal cancer, susceptibility to, 1. Also called: COLORECTAL ADENOMA AND CANCER, SUSCEPTIBILITY TO; COLORECTAL CANCER, SUSCEPTIBILITY TO, ON CHROMOSOME 9. Identifiers: MedGen C1837315, MONDO:0012132, OMIM 608812.

Allele frequency attached by ClinVar (database versions not stated): gnomAD 0.00001; TOPMed below 0.00001; gnomAD exomes 0.00001.
gnomAD v4.1: 17 of 1,540,818 alleles (0.0011%); highest among the groups gnomAD compares: Non-Finnish European, 0.0015%; no homozygotes.

Submissions (3):

Myriad Genetics, Inc.
Classification: Benign for Colorectal cancer, susceptibility to, 1. Last evaluated: 2026-04-23. Review status: criteria provided, single submitter. Criteria: Myriad Autosomal Dominant, Autosomal Recessive and X-Linked Classification Criteria (2023). Collection method: clinical testing. Allele origin: unknown.
Comment: This variant is considered benign. This variant is a silent/synonymous amino acid change and it is not expected to impact splicing.

Labcorp Genetics (formerly Invitae), Labcorp
Classification: Likely benign. Last evaluated: 2024-07-19. Review status: criteria provided, single submitter. Criteria: Invitae Variant Classification Sherloc (09022015). Collection method: clinical testing. Allele origin: germline.

Ambry Genetics
Classification: Likely benign. Last evaluated: 2022-12-26. Review status: criteria provided, single submitter. Criteria: Ambry Variant Classification Scheme 2023. Collection method: clinical testing. Allele origin: germline.

NM_024642.5(GALNT12):c.297G>A (p.Arg99=)

Gene: GALNT12 (polypeptide N-acetylgalactosaminyltransferase 12; plus strand). Cytogenetic location: 9q22.33.
Variant type: single nucleotide variant.
Coding change: c.297G>A on transcript NM_024642.5 (MANE Select); coding-DNA position 297, G replaced by A.
Protein change: p.Arg99=; no amino-acid change (arginine 99 retained).
Molecular consequence: synonymous variant.
Genome position (GRCh38, 1-based): chr9:98,807,995, G>A. VCF-style: chr9-98807995-G-A. GRCh37 (hg19) VCF-style: chr9-101570277-G-A.
Other names: c.297G>A (NM_024642.4).
Identifiers: ClinVar variation 1154991 (VCV001154991.11), dbSNP rs978066439, ClinGen allele CA196833833.